The following is an entry in ClinVar:

ClinVar aggregate classification (germline): Likely benign. Review status: criteria provided, multiple submitters, no conflicts (2 of 4 stars). 2 submissions from 2 submitters: Likely benign (2). Last evaluated 2026-07-31.

Conditions:
Familial colorectal cancer type X. Identifiers: Orphanet 440437, MedGen C3896578, MONDO:0018604.

Submissions (2):

Myriad Genetics, Inc.
Classification: Likely benign for Familial colorectal cancer type X. Last evaluated: 2026-07-31. Review status: criteria provided, single submitter. Criteria: Myriad Autosomal Dominant, Autosomal Recessive and X-Linked Classification Criteria (2023). Collection method: clinical testing. Allele origin: unknown.
Comment: This variant is considered likely benign. This variant is intronic and is not expected to impact mRNA splicing.

Ambry Genetics
Classification: Likely benign. Last evaluated: 2026-07-10. Review status: criteria provided, single submitter. Criteria: Ambry Variant Classification Scheme 2023. Collection method: clinical testing. Allele origin: germline.

NM_001023.4(RPS20):c.342C>T (p.Val114=)

Gene: RPS20 (ribosomal protein S20; minus strand). Cytogenetic location: 8q12.1.
Variant type: single nucleotide variant.
Coding change: c.342C>T on transcript NM_001023.4 (MANE Select); coding-DNA position 342, C replaced by T.
Protein change: p.Val114=; no amino-acid change (valine 114 retained).
Molecular consequence: synonymous variant. On other transcripts: intron variant (1).
Genome position (GRCh38, 1-based): chr8:56,073,108, G>A on the plus strand (C>T on the coding strand, the complement: RPS20 is on the minus strand). VCF-style: chr8-56073108-G-A. GRCh37 (hg19) VCF-style: chr8-56985667-G-A.
Other names: c.333+9C>T (NM_001146227.3).
Identifiers: ClinVar variation 5028422 (VCV005028422.2).